The following is an entry in ClinVar:

ClinVar aggregate classification (germline): Uncertain significance. Review status: criteria provided, multiple submitters, no conflicts (2 of 4 stars). 3 submissions from 3 submitters: Uncertain significance (3). Last evaluated 2025-04-02.

Conditions:
Cohen syndrome (COH1). Also called: PEPPER SYNDROME; Cutis verticis gyrata, retinitis pigmentosa, and sensorineural deafness. Identifiers: Orphanet 193, MedGen C0265223, MONDO:0008999, OMIM 216550.
VPS13B-related disorder. Also called: VPS13B-related condition.

Allele frequency attached by ClinVar (database versions not stated): gnomAD exomes below 0.00001; TOPMed below 0.00001; ExAC 0.00001; gnomAD 0.00001.
gnomAD v4.1: 1 of 1,614,072 alleles (0.000062%); highest among the groups gnomAD compares: African/African-American, 0.0013%; no homozygotes.

Submissions (3):

PreventionGenetics, part of Exact Sciences
Classification: Uncertain significance for VPS13B-related condition. Last evaluated: 2025-04-02. Review status: criteria provided, single submitter. Criteria: ACMG Guidelines, 2015. Collection method: clinical testing. Allele origin: germline.
Comment: The VPS13B c.10100C>A variant is predicted to result in the amino acid substitution p.Thr3367Asn. To our knowledge, this variant has not been reported in the literature. This variant is reported in 0.0062% of alleles in individuals of African descent in gnomAD. At this time, the clinical significance of this variant is uncertain due to the absence of conclusive functional and genetic evidence.

Labcorp Genetics (formerly Invitae), Labcorp
Classification: Uncertain significance for Cohen syndrome. Last evaluated: 2020-03-17. Review status: criteria provided, single submitter. Criteria: Invitae Variant Classification Sherloc (09022015). Collection method: clinical testing. Allele origin: germline.
Comment: In summary, the available evidence is currently insufficient to determine the role of this variant in disease. Therefore, it has been classified as a Variant of Uncertain Significance. Algorithms developed to predict the effect of missense changes on protein structure and function are either unavailable or do not agree on the potential impact of this missense change (SIFT: Not Available; PolyPhen-2: "Benign"; Align-GVGD: Not Available). This variant has not been reported in the literature in individuals with VPS13B-related conditions. ClinVar contains an entry for this variant (Variation ID: 361088). This variant is present in population databases (rs759636784, ExAC 0.01%). This sequence change replaces threonine with asparagine at codon 3392 of the VPS13B protein (p.Thr3392Asn). The threonine residue is weakly conserved and there is a small physicochemical difference between threonine and asparagine.

Illumina Laboratory Services, Illumina
Classification: Uncertain significance for Cohen syndrome. Last evaluated: 2018-01-13. Review status: criteria provided, single submitter. Criteria: ICSL Variant Classification Criteria 13 December 2019. Collection method: clinical testing. Allele origin: germline.

NM_152564.5(VPS13B):c.10100C>A (p.Thr3367Asn)

Gene: VPS13B (vacuolar protein sorting 13 homolog B; plus strand). Cytogenetic location: 8q22.2.
Variant type: single nucleotide variant.
Coding change: c.10100C>A on transcript NM_152564.5 (MANE Select); coding-DNA position 10100, C replaced by A.
Protein change: p.Thr3367Asn; replaces threonine 3367 with asparagine.
Molecular consequence: missense variant.
Genome position (GRCh38, 1-based): chr8:99,853,489, C>A. VCF-style: chr8-99853489-C-A. GRCh37 (hg19) VCF-style: chr8-100865717-C-A.
Other names: c.10100C>A (NM_152564.4); c.10175C>A, p.Thr3392Asn (NM_017890.5); short protein forms T3367N, T3392N.
Identifiers: ClinVar variation 361088 (VCV000361088.13), dbSNP rs759636784, ClinGen allele CA4824886.